The following is an entry in ClinVar:

NM_173660.5(DOK7):c.578G>A (p.Ser193Asn)

Genes: DOK7 (docking protein 7; plus strand), LOC126806951 (CDK7 strongly-dependent group 2 enhancer GRCh37_chr4:3486115-3487314; plus strand). Cytogenetic location: 4p16.3.
Variant type: single nucleotide variant.
Coding change: c.578G>A on transcript NM_173660.5 (MANE Select); coding-DNA position 578, G replaced by A.
Protein change: p.Ser193Asn; replaces serine 193 with asparagine.
Molecular consequence: missense variant. On other transcripts: synonymous variant (1), 5 prime UTR variant (1).
Genome position (GRCh38, 1-based): chr4:3,485,584, G>A. VCF-style: chr4-3485584-G-A. GRCh37 (hg19) VCF-style: chr4-3487311-G-A.
Other names: c.567G>A, p.Gln189= (NM_001164673.2); c.-353G>A (NM_001256896.2); c.578G>A, p.Ser193Asn (NM_001301071.2); c.146G>A, p.Ser49Asn (NM_001363811.2); short protein forms S193N, S49N.
Identifiers: ClinVar variation 1375561 (VCV001375561.3), dbSNP rs760505816, ClinGen allele CA2829070.
Genomic context (GRCh38, chr4:3,485,584, plus strand): 5'-GTCCTTCCTCTGCAGGGGCTGGCGTCTTCTTCCTGTCCTCGGCCGAGGGGGAGCAGATCA[G>A]CTTCCTGTTCGACTGCATCGTCCGAGGCATCTCCCCCACCAAGGGCCCCTTTGGGCTGCG-3'
Protein context (NP_775931.3, residues 183-203): FLSSAEGEQI[Ser193Asn]FLFDCIVRGI

ClinVar aggregate classification (germline): Uncertain significance (1 of 4 stars; one submission).

Conditions:
Congenital myasthenic syndrome 10. Also called: Myasthenia, limb-girdle, familial. Identifiers: Orphanet 590, MedGen C1850792, MONDO:0009690, OMIM 254300.
Fetal akinesia deformation sequence 1 (FADS1). Also called: Fetal akinesia sequence; Pena-Shokeir syndrome type I. Identifiers: Orphanet 994, MedGen C1276035, MONDO:0100101, OMIM 208150, HP:0001989.

Allele frequency attached by ClinVar (database versions not stated): gnomAD exomes below 0.00001 and 0.00001; ExAC 0.00001; gnomAD 0.00001; TOPMed 0.00001.
gnomAD v4.1: 13 of 1,608,050 alleles (0.00081%); highest among the groups gnomAD compares: Non-Finnish European, 0.001%; no homozygotes.

Submission:

Labcorp Genetics (formerly Invitae), Labcorp
Classification: Uncertain significance for Congenital myasthenic syndrome 10; Fetal akinesia deformation sequence 1. Last evaluated: 2022-09-01. Review status: criteria provided, single submitter. Criteria: Invitae Variant Classification Sherloc (09022015). Collection method: clinical testing. Allele origin: germline.
Comment: This sequence change replaces serine, which is neutral and polar, with asparagine, which is neutral and polar, at codon 193 of the DOK7 protein (p.Ser193Asn). The frequency data for this variant in the population databases is considered unreliable, as metrics indicate poor data quality at this position in the gnomAD database. This variant has not been reported in the literature in individuals affected with DOK7-related conditions. ClinVar contains an entry for this variant (Variation ID: 1375561). Algorithms developed to predict the effect of missense changes on protein structure and function are either unavailable or do not agree on the potential impact of this missense change (SIFT: "Deleterious"; PolyPhen-2: "Probably Damaging"; Align-GVGD: "Class C0"). In summary, the available evidence is currently insufficient to determine the role of this variant in disease. Therefore, it has been classified as a Variant of Uncertain Significance.